The following is an entry in ClinVar:

ClinVar aggregate classification (germline): Benign. Review status: criteria provided, multiple submitters, no conflicts (2 of 4 stars). 2 submissions from 2 submitters: Benign (2). Last evaluated 2018-06-16.

Allele frequency attached by ClinVar (database versions not stated): 1000 Genomes Project 0.22165; gnomAD 0.22195 and 0.22385; 1000 Genomes Project 30x 0.22205; TOPMed 0.22255; gnomAD exomes 0.25579.
gnomAD v4.1: 196,181 of 784,330 alleles (25%); highest among the groups gnomAD compares: Middle Eastern, 32%; 26,375 homozygotes.

Submissions (2):

GeneDx
Classification: Benign. Last evaluated: 2018-06-16. Review status: criteria provided, single submitter. Criteria: GeneDx Variant Classification (06012015). Collection method: clinical testing. Allele origin: germline. Affected: yes.
Comment: This variant is considered likely benign or benign based on one or more of the following criteria: it is a conservative change, it occurs at a poorly conserved position in the protein, it is predicted to be benign by multiple in silico algorithms, and/or has population frequency not consistent with disease.

Breakthrough Genomics
Classification: Benign. Review status: criteria provided, single submitter. Criteria: ACMG Guidelines, 2015. Collection method: not provided. Allele origin: germline. Inheritance: Autosomal dominant inheritance. Affected: yes.

NM_144670.6(A2ML1):c.4325-138A>G

Gene: A2ML1 (alpha-2-macroglobulin like 1; plus strand). Cytogenetic location: 12p13.31.
Variant type: single nucleotide variant.
Coding change: c.4325-138A>G on transcript NM_144670.6 (MANE Select); 138 bases into the intron before coding-DNA position 4325, A replaced by G.
Molecular consequence: intron variant.
Genome position (GRCh38, 1-based): chr12:8,874,833, A>G. VCF-style: chr12-8874833-A-G. GRCh37 (hg19) VCF-style: chr12-9027429-A-G.
Other names: c.2852-138A>G (NM_001282424.3).
Identifiers: ClinVar variation 561567 (VCV000561567.2), dbSNP rs7316141, ClinGen allele CA16435701.
Genomic context (GRCh38, chr12:8,874,833, plus strand): 5'-TTTCTATTATTTTTGGTATGATTAATAGTTTGTCACAATGTACAAATATTAGTGATTGAA[A>G]CTTTCTTGTAATTCTGAATATGCTCATAACCTGTAGAGATTCTCTGGAAGGGGCTCAAGC-3'